The following is an entry in ClinVar:

NM_002878.4(RAD51D):c.427G>T (p.Ala143Ser)

Genes: RAD51L3-RFFL (RAD51L3-RFFL readthrough; minus strand), RAD51D (RAD51 paralog D; minus strand). Cytogenetic location: 17q12.
Variant type: single nucleotide variant.
Coding change: c.427G>T on transcript NM_002878.4 (MANE Select); coding-DNA position 427, G replaced by T.
Protein change: p.Ala143Ser; replaces alanine 143 with serine.
Molecular consequence: missense variant. On other transcripts: non-coding transcript variant (1), intron variant (1).
Genome position (GRCh38, 1-based): chr17:35,107,041, C>A on the plus strand (G>T on the coding strand, the complement: RAD51D is on the minus strand). VCF-style: chr17-35107041-C-A. GRCh37 (hg19) VCF-style: chr17-33434060-C-A.
Other names: c.487G>T, p.Ala163Ser (NM_001142571.2); c.145-560G>T (NM_133629.3); short protein forms A163S, A143S.
Identifiers: ClinVar variation 824751 (VCV000824751.4), dbSNP rs1597862594, ClinGen allele CA399089248.

ClinVar aggregate classification (germline): Uncertain significance (1 of 4 stars; one submission).

Conditions:
Hereditary cancer-predisposing syndrome. Also called: Neoplastic Syndromes, Hereditary; Tumor predisposition; Hereditary neoplastic syndrome; Hereditary Cancer Syndrome. Identifiers: Orphanet 140162, MedGen C0027672, MeSH D009386, MONDO:0015356.

Submission:

Ambry Genetics
Classification: Uncertain significance for Hereditary cancer-predisposing syndrome. Last evaluated: 2018-07-24. Review status: criteria provided, single submitter. Criteria: Ambry Variant Classification Scheme 2023. Collection method: clinical testing. Allele origin: germline.
Comment: The p.A143S variant (also known as c.427G>T), located in coding exon 5 of the RAD51D gene, results from a G to T substitution at nucleotide position 427. The alanine at codon 143 is replaced by serine, an amino acid with similar properties. This amino acid position is highly conserved in available vertebrate species. In addition, the in silico prediction for this alteration is inconclusive. Since supporting evidence is limited at this time, the clinical significance of this alteration remains unclear.